The following is an entry in ClinVar:

NM_002458.3(MUC5B):c.9849G>A (p.Thr3283=)

Genes: MUC5B-AS1 (MUC5B antisense RNA 1; minus strand), MUC5B (mucin 5B, oligomeric mucus/gel-forming; plus strand). Cytogenetic location: 11p15.5.
Variant type: single nucleotide variant.
Coding change: c.9849G>A on transcript NM_002458.3 (MANE Select); coding-DNA position 9849, G replaced by A.
Protein change: p.Thr3283=; no amino-acid change (threonine 3283 retained).
Molecular consequence: synonymous variant.
Genome position (GRCh38, 1-based): chr11:1,246,729, G>A. VCF-style: chr11-1246729-G-A. GRCh37 (hg19) VCF-style: chr11-1267959-G-A.
Identifiers: ClinVar variation 1033925 (VCV001033925.1), dbSNP rs770310208, ClinGen allele CA5807155.

ClinVar aggregate classification (germline): Uncertain significance (1 of 4 stars; one submission).

Conditions:
Interstitial lung disease 2 (ILD2). Also called: Familial idiopathic pulmonary fibrosis; FIBROCYSTIC PULMONARY DYSPLASIA; FIBROSING ALVEOLITIS, CRYPTOGENIC. Identifiers: Orphanet 2032, Orphanet 79126, MedGen C5561926, MONDO:0800497, OMIM 178500, MONDO:0800029.

Allele frequency attached by ClinVar (database versions not stated): ExAC 0.00008; gnomAD exomes 0.00011 and 0.00024; gnomAD 0.00014.
gnomAD v4.1: 369 of 1,604,846 alleles (0.023%); highest among the groups gnomAD compares: Non-Finnish European, 0.029%; 11 homozygotes.

Submission:

Baylor Genetics
Classification: Uncertain significance for Interstitial lung disease 2. Last evaluated: 2018-02-13. Review status: criteria provided, single submitter. Criteria: ACMG Guidelines, 2015. Collection method: clinical testing. Allele origin: maternal. Affected: yes.
Comment: This variant was determined to be of uncertain significance according to ACMG Guidelines, 2015 [PMID:25741868].